The following is an entry in ClinVar:

NM_001267550.2(TTN):c.40724-1G>C

Gene: TTN (titin; minus strand). Cytogenetic location: 2q31.2.
Variant type: single nucleotide variant.
Coding change: c.40724-1G>C on transcript NM_001267550.2 (MANE Select); the canonical splice acceptor site of the intron before coding-DNA position 40724, G replaced by C.
Molecular consequence: splice acceptor variant.
Genome position (GRCh38, 1-based): chr2:178,640,111, C>G on the plus strand (G>C on the coding strand, the complement: TTN is on the minus strand). VCF-style: chr2-178640111-C-G. GRCh37 (hg19) VCF-style: chr2-179504838-C-G.
Other names: c.13529-1G>C (NM_003319.4); c.14105-1G>C (NM_133437.4); c.13904-1G>C (NM_133432.3); c.33020-1G>C (NM_133378.4); c.35801-1G>C (NM_001256850.1).
Identifiers: ClinVar variation 3755604 (VCV003755604.2).
Genomic context (GRCh38, chr2:178,640,111, plus strand): 5'-CTTCGGGCTTTGGTTTCGGTTCAGGTGCAGGGAGAGGTATTGCTGGCTTGATTTCAGGCA[C>G]TGAAATAATTTAGAGTAGAGGGCAGATTATTACAGGATTTTTGAAGTTTTTCACAAAGTC-3'

ClinVar aggregate classification (germline): Likely pathogenic (1 of 4 stars; one submission).

Conditions:
Dilated cardiomyopathy 1G (CMD1G). Identifiers: Orphanet 154, MedGen C1858763, MONDO:0011400, OMIM 604145.
Autosomal recessive limb-girdle muscular dystrophy type 2J (LGMDR10). Also called: Limb-girdle muscular dystrophy, type 2J; MUSCULAR DYSTROPHY, LIMB-GIRDLE, AUTOSOMAL RECESSIVE 10. Identifiers: Orphanet 140922, MedGen C1837342, MONDO:0012127, OMIM 608807.

Submission:

Labcorp Genetics (formerly Invitae), Labcorp
Classification: Likely pathogenic for Dilated cardiomyopathy 1G; Autosomal recessive limb-girdle muscular dystrophy type 2J. Last evaluated: 2024-03-30. Review status: criteria provided, single submitter. Criteria: Invitae Variant Classification Sherloc (09022015). Collection method: clinical testing. Allele origin: germline.
Comment: This sequence change affects an acceptor splice site in intron 221 of the TTN gene. It is expected to disrupt RNA splicing and likely results in a truncated or disrupted TTN protein. This variant is not present in population databases (gnomAD no frequency). This variant has not been reported in the literature in individuals affected with TTN-related conditions. Algorithms developed to predict the effect of sequence changes on RNA splicing suggest that this variant may disrupt the consensus splice site. This variant is located in the I band of TTN (PMID: 25589632). Truncating variants in this region have been reported in individuals affected with autosomal recessive centronuclear myopathy (PMID: 23975875, Invitae internal data). Truncating variants in this region have also been identified in individuals affected with autosomal dominant dilated cardiomyopathy and/or cardio-related conditions (PMID: 27869827, 32964742, Invitae internal data). In summary, the currently available evidence indicates that the variant is pathogenic, but additional data are needed to prove that conclusively. Therefore, this variant has been classified as Likely Pathogenic.

Literature cited by the submitters: PubMed 25589632; PubMed 23975875; PubMed 27869827; PubMed 32964742.